The following is an entry in ClinVar:

NM_000836.4(GRIN2D):c.112G>A (p.Ala38Thr)

Genes: GRIN2D (glutamate ionotropic receptor NMDA type subunit 2D; plus strand), LOC130064855 (ATAC-STARR-seq lymphoblastoid silent region 10879; plus strand). Cytogenetic location: 19q13.33.
Variant type: single nucleotide variant.
Coding change: c.112G>A on transcript NM_000836.4 (MANE Select); coding-DNA position 112, G replaced by A.
Protein change: p.Ala38Thr; replaces alanine 38 with threonine.
Molecular consequence: missense variant.
Genome position (GRCh38, 1-based): chr19:48,398,504, G>A. VCF-style: chr19-48398504-G-A. GRCh37 (hg19) VCF-style: chr19-48901761-G-A.
Other names: short protein forms A38T.
Identifiers: ClinVar variation 3636274 (VCV003636274.2).

ClinVar aggregate classification (germline): Uncertain significance (1 of 4 stars; one submission).

Submission:

Labcorp Genetics (formerly Invitae), Labcorp
Classification: Uncertain significance. Last evaluated: 2024-08-05. Review status: criteria provided, single submitter. Criteria: Invitae Variant Classification Sherloc (09022015). Collection method: clinical testing. Allele origin: germline.
Comment: This sequence change replaces alanine, which is neutral and non-polar, with threonine, which is neutral and polar, at codon 38 of the GRIN2D protein (p.Ala38Thr). The frequency data for this variant in the population databases is considered unreliable, as metrics indicate insufficient coverage at this position in the gnomAD database. This variant has not been reported in the literature in individuals affected with GRIN2D-related conditions. Advanced modeling of protein sequence and biophysical properties (such as structural, functional, and spatial information, amino acid conservation, physicochemical variation, residue mobility, and thermodynamic stability) performed at Invitae indicates that this missense variant is not expected to disrupt GRIN2D protein function with a negative predictive value of 95%. In summary, the available evidence is currently insufficient to determine the role of this variant in disease. Therefore, it has been classified as a Variant of Uncertain Significance.